The following is an entry in ClinVar:

NM_001963.6(EGF):c.1208G>A (p.Arg403His)

Gene: EGF (epidermal growth factor; plus strand). Cytogenetic location: 4q25.
Variant type: single nucleotide variant.
Coding change: c.1208G>A on transcript NM_001963.6 (MANE Select); coding-DNA position 1208, G replaced by A.
Protein change: p.Arg403His; replaces arginine 403 with histidine.
Molecular consequence: missense variant.
Genome position (GRCh38, 1-based): chr4:109,961,881, G>A. VCF-style: chr4-109961881-G-A. GRCh37 (hg19) VCF-style: chr4-110883037-G-A.
Other names: c.1208G>A, p.Arg403His (NM_001178130.3); c.1082G>A, p.Arg361His (NM_001178131.3, NM_001357021.2); short protein forms R361H, R403H.
Identifiers: ClinVar variation 3709958 (VCV003709958.2).

ClinVar aggregate classification (germline): Uncertain significance (1 of 4 stars; one submission).

gnomAD v4.1: 17 of 1,613,630 alleles (0.0011%); highest among the groups gnomAD compares: South Asian, 0.0022%; no homozygotes.

Submission:

Labcorp Genetics (formerly Invitae), Labcorp
Classification: Uncertain significance. Last evaluated: 2025-11-08. Review status: criteria provided, single submitter. Criteria: Invitae Variant Classification Sherloc (09022015). Collection method: clinical testing. Allele origin: germline.
Comment: This sequence change replaces arginine, which is basic and polar, with histidine, which is basic and polar, at codon 403 of the EGF protein (p.Arg403His). This variant is present in population databases (rs377385617, gnomAD 0.004%). This variant has not been reported in the literature in individuals affected with EGF-related conditions. ClinVar contains an entry for this variant (Variation ID: 3709958). An algorithm developed to predict the effect of missense changes on protein structure and function (PolyPhen-2) suggests that this variant is likely to be tolerated. In summary, the available evidence is currently insufficient to determine the role of this variant in disease. Therefore, it has been classified as a Variant of Uncertain Significance.